The following is an entry in ClinVar:

ClinVar aggregate classification (germline): Conflicting classifications of pathogenicity. Review status: criteria provided, conflicting classifications (1 of 4 stars). 3 submissions from 3 submitters: Uncertain significance (2); Likely benign (1). Last evaluated 2026-08-08.

Conditions:
Inborn genetic diseases. Identifiers: MedGen C0950123, MeSH D030342.

Allele frequency attached by ClinVar (database versions not stated): gnomAD exomes 0.00001 and 0.00002; gnomAD 0.00001; ExAC 0.00001; 1000 Genomes Project 30x 0.00016; 1000 Genomes Project 0.00020.
gnomAD v4.1: 13 of 1,613,984 alleles (0.00081%); highest among the groups gnomAD compares: South Asian, 0.0088%; no homozygotes.

Submissions (3):

GeneDx
Classification: Uncertain significance. Last evaluated: 2026-08-08. Review status: criteria provided, single submitter. Criteria: GeneDx Variant Classification Process June 2021. Collection method: clinical testing. Allele origin: germline.
Comment: In silico analysis suggests that this missense variant does not alter protein structure/function; Has not been previously published as pathogenic or benign to our knowledge

Labcorp Genetics (formerly Invitae), Labcorp
Classification: Likely benign. Last evaluated: 2025-03-03. Review status: criteria provided, single submitter. Criteria: Invitae Variant Classification Sherloc (09022015). Collection method: clinical testing. Allele origin: germline.

Ambry Genetics
Classification: Uncertain significance for Inborn genetic diseases. Last evaluated: 2025-02-22. Review status: criteria provided, single submitter. Criteria: Ambry Variant Classification Scheme 2023. Collection method: clinical testing. Allele origin: germline.

NM_130837.3(OPA1):c.215A>C (p.Lys72Thr)

Gene: OPA1 (OPA1 mitochondrial dynamin like GTPase; plus strand). Cytogenetic location: 3q29.
Variant type: single nucleotide variant.
Coding change: c.215A>C on transcript NM_130837.3 (MANE Select); coding-DNA position 215, A replaced by C.
Protein change: p.Lys72Thr; replaces lysine 72 with threonine.
Molecular consequence: missense variant. On other transcripts: 5 prime UTR variant (2).
Genome position (GRCh38, 1-based): chr3:193,614,905, A>C. VCF-style: chr3-193614905-A-C. GRCh37 (hg19) VCF-style: chr3-193332694-A-C.
Other names: c.-158A>C (NM_001354663.2, NM_001354664.2); c.215A>C, p.Lys72Thr (NM_015560.3, NM_130831.3, NM_130832.3 and 4 more transcripts); short protein forms K72T.
Identifiers: ClinVar variation 1318590 (VCV001318590.9), dbSNP rs532878175, ClinGen allele CA2758950.
Genomic context (GRCh38, chr3:193,614,905, plus strand): 5'-GACCCCAATTAAGGACATCCTTTCAGCAGTTCTCTTCTCTGACAAACCTTCCTTTACGTA[A>C]ACTGAAATTCTCTCCAATTAAATATGGCTACCAGCCTCGCAGGAATTTTTGGCCAGCAAG-3'
Protein context (NP_570850.2, residues 62-82): FSSLTNLPLR[Lys72Thr]LKFSPIKYGY